The following is an entry in ClinVar:

NM_003242.6(TGFBR2):c.383dup (p.Pro129fs)

Gene: TGFBR2 (transforming growth factor beta receptor 2; plus strand). Cytogenetic location: 3p24.1.
Variant type: Duplication.
Coding change: c.383dup on transcript NM_003242.6 (MANE Select); coding-DNA position 383, one base duplicated (A; older notation c.383dupA).
Protein change: p.Pro129fs; shifts the reading frame from proline 129.
Molecular consequence: frameshift variant.
Genome position (GRCh38, 1-based): chr3:30,650,389, A duplicated; the last of 10 consecutive A bases (chr3:30,650,380-30,650,389); duplicating any one gives the same sequence. VCF-style (leftmost placement, unchanged base first): chr3-30650379-G-GA. GRCh37 (hg19) VCF-style: chr3-30691871-G-GA.
Other names: c.458dup, p.Pro154Alafs (NM_001024847.3, NM_001407126.1, NM_001407139.1); c.383dup, p.Pro129Alafs (NM_001407127.1, NM_001407130.1); c.410dup, p.Pro138Alafs (NM_001407128.1); c.278dup, p.Pro94Alafs (NM_001407129.1, NM_001407132.1, NM_001407133.1 and 3 more transcripts); c.383dupA (NM_003242.6); c.383dup (NM_003242.5); short protein forms P129fs, P154fs.
Identifiers: ClinVar variation 662321 (VCV000662321.22), dbSNP rs79375991, ClinGen allele CA2294230.
Genomic context (GRCh38, chr3:30,650,379, plus strand): 5'-AAGCTCCCCTACCATGACTTTATTCTGGAAGATGCTGCTTCTCCAAAGTGCATTATGAAG[G>GA]AAAAAAAAAAGCCTGGTGAGACTTTCTTCATGTGTTCCTGTAGCTCTGATGAGTGCAATG-3'

ClinVar aggregate classification (germline): Uncertain significance. Review status: criteria provided, multiple submitters, no conflicts (2 of 4 stars). 6 submissions from 6 submitters: Uncertain significance (6). Last evaluated 2026-07-01.
ClinVar aggregate classification (oncogenicity): Likely oncogenic (1 of 4 stars; one submission).

Conditions:
Colorectal cancer, hereditary nonpolyposis, type 6. Also called: Colon cancer, hereditary nonpolyposis, type 6; Colon cancer, hereditary nonpolyposis, type 6, somatic. Identifiers: Orphanet 144, MedGen C1860896, MONDO:0013695, OMIM 614331.
Loeys-Dietz syndrome 2 (LDS2). Also called: TGFBR2-Related Loeys-Dietz Syndrome; Marfan Syndrome type 2; Marfan like connective tissue disorder; MFS 2; AORTIC ANEURYSM, FAMILIAL THORACIC 3; MARFAN SYNDROME, TYPE II. Identifiers: Orphanet 284973, Orphanet 558, MedGen C2674574, MONDO:0012427, OMIM 610168.
Malignant tumor of esophagus. Also called: Esophageal cancer, somatic; Esophageal cancer. Identifiers: Orphanet 99977, MedGen C0546837, MONDO:0007576, OMIM 133239.
Familial thoracic aortic aneurysm and aortic dissection (TAAD). Also called: Thoracic aortic aneurysms and dissections. Identifiers: Orphanet 91387, MedGen C4707243, MONDO:0019625.
Neoplasm. Also called: tumor; Neoplasms; Neoplasm (disease). Identifiers: MedGen C0027651, MeSH D009369, MONDO:0005070, HP:0002664.

Submissions (7):

Ambry Genetics
Classification: Uncertain significance for Familial thoracic aortic aneurysm and aortic dissection. Last evaluated: 2026-07-01. Review status: criteria provided, single submitter. Criteria: Ambry Variant Classification Scheme 2023. Collection method: clinical testing. Allele origin: germline.
Comment: The c.383dupA variant, located in coding exon 3 of the TGFBR2 gene, results from a duplication of A at nucleotide position 383, causing a translational frameshift with a predicted alternate stop codon (p.P129Afs*3). This variant is expected to result in protein truncation or nonsense-mediated mRNA decay. However, loss of function has not been established as a mechanism of disease. Based on the available evidence, the clinical significance of this variant remains unclear.

Color Diagnostics, LLC DBA Color Health
Classification: Uncertain significance for Familial thoracic aortic aneurysm and aortic dissection. Last evaluated: 2025-07-10. Review status: criteria provided, single submitter. Criteria: ACMG Guidelines, 2015. Collection method: clinical testing. Allele origin: germline.
Comment: This variant causes duplication of a nucleotide in exon 3 of the TGFBR2 gene, creating a frameshift and premature translation stop signal. This variant is expected to result in an absent or non-functional protein product. To our knowledge, this variant has not been reported in individuals affected with TGFBR2-related disorders in the literature. This variant has not been identified in the general population by the Genome Aggregation Database (gnomAD). Clinical relevance of loss-of-function TGFBR2 truncation variants in autosomal dominant cardiovascular disorders is not clearly established. The available evidence is insufficient to determine the role of this variant in disease conclusively. Therefore, this variant is classified as a Variant of Uncertain Significance.

Center for Genomic Medicine, Rigshospitalet, Copenhagen University Hospital
Classification: Likely oncogenic for Neoplasm. Last evaluated: 2025-03-04. Review status: criteria provided, single submitter. Criteria: ClinGen/CGC/VICC Guidelines for Oncogenicity, 2022. Collection method: clinical testing. Allele origin: somatic. Affected: yes.

Labcorp Genetics (formerly Invitae), Labcorp
Classification: Uncertain significance for Familial thoracic aortic aneurysm and aortic dissection. Last evaluated: 2025-02-10. Review status: criteria provided, single submitter. Criteria: Invitae Variant Classification Sherloc (09022015). Collection method: clinical testing. Allele origin: germline.
Comment: This sequence change creates a premature translational stop signal (p.Pro129Alafs*3) in the TGFBR2 gene. It is expected to result in an absent or disrupted protein product. However, the current clinical and genetic evidence is not sufficient to establish whether loss-of-function variants in TGFBR2 cause disease. The frequency data for this variant in the population databases is considered unreliable, as metrics indicate poor data quality at this position in the gnomAD database. This premature translational stop signal has been observed in individual(s) with clinical features of TGFBR2-related conditions (internal data). ClinVar contains an entry for this variant (Variation ID: 662321). In summary, the available evidence is currently insufficient to determine the role of this variant in disease. Therefore, it has been classified as a Variant of Uncertain Significance.

Genomic Medicine Center of Excellence, King Faisal Specialist Hospital and Research Centre
Classification: Uncertain significance for Loeys-Dietz syndrome 2. Last evaluated: 2024-03-29. Review status: criteria provided, single submitter. Criteria: ACMG Guidelines, 2015. Collection method: clinical testing. Allele origin: germline.

Laboratory for Molecular Medicine, Mass General Brigham Personalized Medicine
Classification: Uncertain significance. Last evaluated: 2022-11-03. Review status: criteria provided, single submitter. Criteria: ACMG Guidelines, 2015. Collection method: clinical testing. Allele origin: germline.
Comment: The c.383dupA (p.Pro129fs) variant in TGFBR2 has not been previously reported in individuals with Loeys-Dietz Syndrome. This variant has been identified in 50/74078 European chromosomes by the Genome Aggregation Database (gnomAD; dbSNP rs756007977), though the ability of these studies to accurately detect indels may be limited, as this variant occurs within a sequence of A repeats. This variant is predicted to cause a frameshift, which alters the protein’s amino acid sequence beginning at position 129 and leads to a premature termination codon 3 amino acids downstream. This alteration is then predicted to lead to a truncated or absent protein. While loss of function variants in TGFBR2 have been reported in Loeys-Dietz syndrome, the location of this variant in a sequence of mononucleotide repeats, as well as the prevalence of this variant in population databases and absence in affected individuals provides conflicting evidence of pathogenicity. In summary, the clinical significance of the p.Pro129fs variant is uncertain.

Fulgent Genetics
Classification: Uncertain significance for Malignant tumor of esophagus; Loeys-Dietz syndrome 2; Colorectal cancer, hereditary nonpolyposis, type 6. Last evaluated: 2022-02-17. Review status: criteria provided, single submitter. Criteria: ACMG Guidelines, 2015. Collection method: clinical testing. Allele origin: unknown.

Literature cited by the submitters: PubMed 26948038 (cited by Laboratory for Molecular Medicine, Mass General Brigham Personalized Medicine); PubMed 23585368 (cited by Laboratory for Molecular Medicine, Mass General Brigham Personalized Medicine).